The following is an entry in ClinVar:

NM_003073.5(SMARCB1):c.492C>A (p.Phe164Leu)

Gene: SMARCB1 (SWI/SNF related BAF chromatin remodeling complex subunit B1; plus strand). Cytogenetic location: 22q11.23.
Variant type: single nucleotide variant.
Coding change: c.492C>A on transcript NM_003073.5 (MANE Select); coding-DNA position 492, C replaced by A.
Protein change: p.Phe164Leu; replaces phenylalanine 164 with leucine.
Molecular consequence: missense variant.
Genome position (GRCh38, 1-based): chr22:23,801,073, C>A. VCF-style: chr22-23801073-C-A. GRCh37 (hg19) VCF-style: chr22-24143260-C-A.
Other names: c.465C>A, p.Phe155Leu (NM_001007468.3, NM_001317946.2); c.492C>A, p.Phe164Leu (NM_001362877.2); short protein forms F155L, F164L.
Identifiers: ClinVar variation 1056670 (VCV001056670.9), dbSNP rs780005225, ClinGen allele CA410934576.
Genomic context (GRCh38, chr22:23,801,073, plus strand): 5'-CGTGCCATGCTCCACAACCATCAACAGGAACCGCATGGGCCGAGACAAGAAGAGAACCTT[C>A]CCCCTTTGGTGTGGATGCATCGCTGCACTCACCCTCCGTGCTGATTCCGCCTTAGTTCTC-3'
Protein context (NP_003064.2, residues 154-174): NRMGRDKKRT[Phe164Leu]PLCFDDHDPA

ClinVar aggregate classification (germline): Uncertain significance (1 of 4 stars; one submission).

Submission:

Labcorp Genetics (formerly Invitae), Labcorp
Classification: Uncertain significance. Last evaluated: 2020-07-01. Review status: criteria provided, single submitter. Criteria: Invitae Variant Classification Sherloc (09022015). Collection method: clinical testing. Allele origin: germline.
Comment: In summary, the available evidence is currently insufficient to determine the role of this variant in disease. Therefore, it has been classified as a Variant of Uncertain Significance. Algorithms developed to predict the effect of missense changes on protein structure and function (SIFT, PolyPhen-2, Align-GVGD) all suggest that this variant is likely to be tolerated, but these predictions have not been confirmed by published functional studies and their clinical significance is uncertain. This variant has not been reported in the literature in individuals with SMARCB1-related conditions. This variant is not present in population databases (ExAC no frequency). This sequence change replaces phenylalanine with leucine at codon 164 of the SMARCB1 protein (p.Phe164Leu). The phenylalanine residue is highly conserved and there is a small physicochemical difference between phenylalanine and leucine.